The following continues an entry in ClinVar:

NM_000138.5(FBN1):c.8149G>A (p.Glu2717Lys)

Gene: FBN1. ClinVar aggregate classification (germline): Conflicting classifications of pathogenicity. Uncertain significance (6); Likely benign (13).

Submissions 12 to 20 of 20:

Illumina Laboratory Services, Illumina
Classification: Likely benign for Ectopia lentis 1, isolated, autosomal dominant. Last evaluated: 2017-04-27. Review status: criteria provided, single submitter. Criteria: ICSL Variant Classification Criteria 13 December 2019. Collection method: clinical testing. Allele origin: germline.
Comment: This variant was observed as part of a predisposition screen in an ostensibly healthy population. A literature search was performed for the gene, cDNA change, and amino acid change (where applicable). No publications were found based on this search. Allele frequency data from public databases allowed determination this variant is unlikely to cause disease. Therefore, this variant is classified as likely benign.

Illumina Laboratory Services, Illumina
Classification: Likely benign for Acromicric dysplasia. Last evaluated: 2017-04-27. Review status: criteria provided, single submitter. Criteria: ICSL Variant Classification Criteria 13 December 2019. Collection method: clinical testing. Allele origin: germline.
Comment: the same text as in the submission from Illumina Laboratory Services, Illumina above.

Illumina Laboratory Services, Illumina
Classification: Likely benign for Familial thoracic aortic aneurysm and aortic dissection. Last evaluated: 2017-04-27. Review status: criteria provided, single submitter. Criteria: ICSL Variant Classification Criteria 13 December 2019. Collection method: clinical testing. Allele origin: germline.
Comment: the same text as in the submission from Illumina Laboratory Services, Illumina above.

Illumina Laboratory Services, Illumina
Classification: Likely benign for Stiff skin syndrome. Last evaluated: 2017-04-27. Review status: criteria provided, single submitter. Criteria: ICSL Variant Classification Criteria 13 December 2019. Collection method: clinical testing. Allele origin: germline.
Comment: the same text as in the submission from Illumina Laboratory Services, Illumina above.

Illumina Laboratory Services, Illumina
Classification: Likely benign for Weill-Marchesani syndrome. Last evaluated: 2017-04-27. Review status: criteria provided, single submitter. Criteria: ICSL Variant Classification Criteria 13 December 2019. Collection method: clinical testing. Allele origin: germline.
Comment: the same text as in the submission from Illumina Laboratory Services, Illumina above.

Illumina Laboratory Services, Illumina
Classification: Likely benign for Marfan syndrome. Last evaluated: 2017-04-27. Review status: criteria provided, single submitter. Criteria: ICSL Variant Classification Criteria 13 December 2019. Collection method: clinical testing. Allele origin: germline.
Comment: the same text as in the submission from Illumina Laboratory Services, Illumina above.

Illumina Laboratory Services, Illumina
Classification: Likely benign for Geleophysic dysplasia. Last evaluated: 2017-04-27. Review status: criteria provided, single submitter. Criteria: ICSL Variant Classification Criteria 13 December 2019. Collection method: clinical testing. Allele origin: germline.
Comment: the same text as in the submission from Illumina Laboratory Services, Illumina above.

Molecular Diagnostic Laboratory for Inherited Cardiovascular Disease, Montreal Heart Institute
Classification: Uncertain significance for Marfan syndrome. Review status: criteria provided, single submitter. Criteria: ACMG Guidelines, 2015. Collection method: clinical testing. Allele origin: germline. Affected: yes.

Center for Medical Genetics Ghent, University of Ghent
Classification: Uncertain significance for Marfan syndrome. Last evaluated: 2017-11-07. Review status: no assertion criteria provided. Collection method: clinical testing. Allele origin: germline. Affected: yes. Not counted in ClinVar's aggregate classification.

Literature cited by the submitters: PubMed 26188975 (cited by 4 submitters); PubMed 29168297 (cited by Women's Health and Genetics/Laboratory Corporation of America, LabCorp and Ambry Genetics); PubMed 33483584 (cited by Women's Health and Genetics/Laboratory Corporation of America, LabCorp and Ambry Genetics); PubMed 35531120 (cited by Color Diagnostics, LLC DBA Color Health and All of Us Research Program, National Institutes of Health); PubMed 27647783 (cited by Ambry Genetics).